The following is an entry in ClinVar:

NM_001369268.1(ACAN):c.1243G>T (p.Glu415Ter)

Gene: ACAN (aggrecan; plus strand). Cytogenetic location: 15q26.1.
Variant type: single nucleotide variant.
Coding change: c.1243G>T on transcript NM_001369268.1 (MANE Select); coding-DNA position 1243, G replaced by T.
Protein change: p.Glu415Ter; replaces glutamic acid 415 with a stop codon.
Molecular consequence: nonsense.
Genome position (GRCh38, 1-based): chr15:88,845,696, G>T. VCF-style: chr15-88845696-G-T. GRCh37 (hg19) VCF-style: chr15-89388927-G-T.
Other names: c.1243G>T, p.Glu415Ter (NM_001135.4, NM_013227.4); short protein forms E415*.
Identifiers: ClinVar variation 620084 (VCV000620084.3), dbSNP rs758892087, ClinGen allele CA393709660.

ClinVar aggregate classification (germline): Pathogenic (1 of 4 stars; one submission).

Submission:

GeneDx
Classification: Pathogenic. Last evaluated: 2021-09-15. Review status: criteria provided, single submitter. Criteria: GeneDx Variant Classification Process June 2021. Collection method: clinical testing. Allele origin: germline. Affected: yes.
Comment: Nonsense variant predicted to result in protein truncation or nonsense mediated decay in a gene for which loss-of-function is a known mechanism of disease; Not observed at significant frequency in large population cohorts (Lek et al., 2016); This variant is associated with the following publications: (PMID: 27870580)